The following is an entry in ClinVar:

NM_033380.3(COL4A5):c.3850G>T (p.Gly1284Ter)

Gene: COL4A5 (collagen type IV alpha 5 chain; plus strand). Cytogenetic location: Xq22.3.
Variant type: single nucleotide variant.
Coding change: c.3850G>T on transcript NM_033380.3 (MANE Select); coding-DNA position 3850, G replaced by T.
Protein change: p.Gly1284Ter; replaces glycine 1284 with a stop codon.
Molecular consequence: nonsense.
Genome position (GRCh38, 1-based): chrX:108,677,541, G>T. VCF-style: chrX-108677541-G-T. GRCh37 (hg19) VCF-style: chrX-107920771-G-T.
Other names: c.3832G>T (NM_000495.4); c.3832G>T, p.Gly1278Ter (NM_000495.5); short protein forms G1284*, G1278*.
Identifiers: ClinVar variation 1350803 (VCV001350803.5), dbSNP rs2147974914, ClinGen allele CA413850288.

ClinVar aggregate classification (germline): Pathogenic/Likely pathogenic. Review status: criteria provided, multiple submitters, no conflicts (2 of 4 stars). 2 submissions from 2 submitters: Pathogenic (1); Likely pathogenic (1). Last evaluated 2021-02-25.

Conditions:
X-linked Alport syndrome (ATS1). Also called: COL4A5-Related Nephropathy; NEPHROPATHY AND DEAFNESS, X-LINKED. Identifiers: Orphanet 63, Orphanet 88917, MedGen C4746986, MONDO:0010520, OMIM 301050.

Submissions (2):

Labcorp Genetics (formerly Invitae), Labcorp
Classification: Pathogenic. Last evaluated: 2021-02-25. Review status: criteria provided, single submitter. Criteria: Invitae Variant Classification Sherloc (09022015). Collection method: clinical testing. Allele origin: germline.
Comment: For these reasons, this variant has been classified as Pathogenic. This variant has not been reported in the literature in individuals with COL4A5-related conditions. This variant is not present in population databases (ExAC no frequency). This sequence change creates a premature translational stop signal (p.Gly1278*) in the COL4A5 gene. It is expected to result in an absent or disrupted protein product. Loss-of-function variants in COL4A5 are known to be pathogenic (PMID: 9195222, 10752524, 14514738, 24854265, 26809805).

Neuberg Centre For Genomic Medicine, NCGM
Classification: Likely pathogenic for X-linked Alport syndrome. Review status: criteria provided, single submitter. Criteria: ACMG Guidelines, 2015. Collection method: clinical testing. Allele origin: germline. Inheritance: X-linked recessive inheritance. Affected: yes.
Comment: The stop gained p.G1278* in COL4A5 (NM_000495.5) has not been reported previously as a pathogenic variant nor as a benign variant, to our knowledge. The p.G1278* variant is novel (not in any individuals) in gnomAD Exomes and is novel (not in any individuals) in 1000 Genomes. This variant is predicted to cause loss of normal protein function through protein truncation. The p.G1278* variant is a loss of function variant in the gene COL4A5, which is intolerant of Loss of Function variants, as indicated by the presence of existing pathogenic loss of function variant NP_000486.1:p.M1V and 129 others. For these reasons, this variant has been classified as Likely Pathogenic.

Literature cited by the submitters: PubMed 9195222 (cited by Labcorp Genetics (formerly Invitae), Labcorp); PubMed 10752524 (cited by Labcorp Genetics (formerly Invitae), Labcorp); PubMed 14514738 (cited by Labcorp Genetics (formerly Invitae), Labcorp); PubMed 24854265 (cited by Labcorp Genetics (formerly Invitae), Labcorp); PubMed 26809805 (cited by Labcorp Genetics (formerly Invitae), Labcorp).